The following is an entry in ClinVar:

NM_032816.5(CEP89):c.820A>G (p.Lys274Glu)

Gene: CEP89 (centrosomal protein 89; minus strand). Cytogenetic location: 19q13.11.
Variant type: single nucleotide variant.
Coding change: c.820A>G on transcript NM_032816.5 (MANE Select); coding-DNA position 820, A replaced by G.
Protein change: p.Lys274Glu; replaces lysine 274 with glutamic acid.
Molecular consequence: missense variant.
Genome position (GRCh38, 1-based): chr19:32,933,517, T>C on the plus strand (A>G on the coding strand, the complement: CEP89 is on the minus strand). VCF-style: chr19-32933517-T-C. GRCh37 (hg19) VCF-style: chr19-33424423-T-C.
Other names: short protein forms K274E.
Identifiers: ClinVar variation 2715568 (VCV002715568.3), dbSNP rs2513716660, ClinGen allele CA405205833.
Genomic context (GRCh38, chr19:32,933,517, plus strand): 5'-GTGACGACGCCTTCTCAGCCTCTTTGAGCTTTCTCTTCTCTTTTTCCATTCCCTTAAGTT[T>C]TAACTGTAGTTCTTTCATTGCTTGTTTCATTGTGTTTAGTTCAAGGGTAAGGCTTTGATT-3'
Protein context (NP_116205.3, residues 264-284): MKQAMKELQL[Lys274Glu]LKGMEKEKRK

ClinVar aggregate classification (germline): Uncertain significance (1 of 4 stars; one submission).

Submission:

Labcorp Genetics (formerly Invitae), Labcorp
Classification: Uncertain significance. Last evaluated: 2023-06-15. Review status: criteria provided, single submitter. Criteria: Invitae Variant Classification Sherloc (09022015). Collection method: clinical testing. Allele origin: germline.
Comment: In summary, the available evidence is currently insufficient to determine the role of this variant in disease. Therefore, it has been classified as a Variant of Uncertain Significance. An algorithm developed to predict the effect of missense changes on protein structure and function (PolyPhen-2) suggests that this variant is likely to be tolerated. This variant has not been reported in the literature in individuals affected with CEP89-related conditions. This variant is not present in population databases (gnomAD no frequency). This sequence change replaces lysine, which is basic and polar, with glutamic acid, which is acidic and polar, at codon 274 of the CEP89 protein (p.Lys274Glu).